The following is an entry in ClinVar:

NM_001035.3(RYR2):c.5667_5677del (p.Lys1890fs)

Gene: RYR2 (ryanodine receptor 2; plus strand). Cytogenetic location: 1q43.
Variant type: Deletion.
Coding change: c.5667_5677del on transcript NM_001035.3 (MANE Select); coding-DNA positions 5667 to 5677, 11 bases deleted (CAAGGAAGGCC).
Protein change: p.Lys1890fs; shifts the reading frame from lysine 1890.
Molecular consequence: frameshift variant.
Genome position (GRCh38, 1-based): chr1:237,614,795-237,614,805, CAAGGAAGGCC deleted; deleting any 11 consecutive bases within chr1:237,614,791-237,614,805 gives the same sequence; the c. name uses the placement nearest the transcript's 3' end. VCF-style (leftmost placement, unchanged base first): chr1-237614790-CGGCCCAAGGAA-C. GRCh37 (hg19) VCF-style: chr1-237778090-CGGCCCAAGGAA-C.
Other names: short protein forms K1890fs.
Identifiers: ClinVar variation 4158450 (VCV004158450.1).

ClinVar aggregate classification (germline): Uncertain significance (1 of 4 stars; one submission).

Conditions:
Cardiovascular phenotype. Identifiers: MedGen CN230736.

Submission:

Ambry Genetics
Classification: Uncertain significance for Cardiovascular phenotype. Last evaluated: 2025-08-25. Review status: criteria provided, single submitter. Criteria: Ambry Variant Classification Scheme 2023. Collection method: clinical testing. Allele origin: germline.
Comment: The c.5667_5677del11 variant, located in coding exon 37 of the RYR2 gene, results from a deletion of 11 nucleotides at nucleotide positions 5667 to 5677, causing a translational frameshift with a predicted alternate stop codon (p.K1890Afs*10). This alteration is expected to result in protein truncation or nonsense-mediated mRNA decay. However, loss of function of RYR2 has not been established as a mechanism of disease. Based on the available evidence, the clinical significance of this alteration remains unclear.